The following is an entry in ClinVar:

NM_001195263.2(PDZD7):c.3091C>T (p.Arg1031Cys)

Gene: PDZD7 (PDZ domain containing 7; minus strand). Cytogenetic location: 10q24.31.
Variant type: single nucleotide variant.
Coding change: c.3091C>T on transcript NM_001195263.2 (MANE Select); coding-DNA position 3091, C replaced by T.
Protein change: p.Arg1031Cys; replaces arginine 1031 with cysteine.
Molecular consequence: missense variant.
Genome position (GRCh38, 1-based): chr10:101,008,478, G>A on the plus strand (C>T on the coding strand, the complement: PDZD7 is on the minus strand). VCF-style: chr10-101008478-G-A. GRCh37 (hg19) VCF-style: chr10-102768235-G-A.
Other names: c.3091C>T (NM_001195263.1); short protein forms R1031C.
Identifiers: ClinVar variation 1492701 (VCV001492701.9), dbSNP rs772704936, ClinGen allele CA5653923.
Genomic context (GRCh38, chr10:101,008,478, plus strand): 5'-GATAACGGGATGCTGGAGTCAGTGGGTGAATCTGAGGTTAGGGGGAGGGTCATGGGATGC[G>A]TGGGGAGGGTGCGGGCTTAGAATCAGGAGTCTGGAGGGCTGGGGAGGGGGCTGGGCTGGG-3'
Protein context (NP_001182192.1, residues 1021-1033): TPDSKPAPSP[Arg1031Cys]IP

ClinVar aggregate classification (germline): Uncertain significance. Review status: criteria provided, multiple submitters, no conflicts (2 of 4 stars). 3 submissions from 3 submitters: Uncertain significance (3). Last evaluated 2024-09-26.

Allele frequency attached by ClinVar (database versions not stated): gnomAD 0.00001 and 0.00002; TOPMed 0.00003; gnomAD exomes 0.00004; ExAC 0.00018; 1000 Genomes Project 30x 0.00031.
gnomAD v4.1: 32 of 1,517,668 alleles (0.0021%); highest among the groups gnomAD compares: Middle Eastern, 0.023%; no homozygotes.

Submissions (3):

GeneDx
Classification: Uncertain significance. Last evaluated: 2024-09-26. Review status: criteria provided, single submitter. Criteria: GeneDx Variant Classification Process June 2021. Collection method: clinical testing. Allele origin: germline. Affected: yes.
Comment: In silico analysis does not support a benign or deleterious effect of this variant on protein structure/function; Has not been previously published as pathogenic or benign to our knowledge

Labcorp Genetics (formerly Invitae), Labcorp
Classification: Uncertain significance. Last evaluated: 2022-08-19. Review status: criteria provided, single submitter. Criteria: Invitae Variant Classification Sherloc (09022015). Collection method: clinical testing. Allele origin: germline.
Comment: This sequence change replaces arginine, which is basic and polar, with cysteine, which is neutral and slightly polar, at codon 1031 of the PDZD7 protein (p.Arg1031Cys). This variant is present in population databases (rs772704936, gnomAD 0.02%). This variant has not been reported in the literature in individuals affected with PDZD7-related conditions. ClinVar contains an entry for this variant (Variation ID: 1492701). Algorithms developed to predict the effect of missense changes on protein structure and function are either unavailable or do not agree on the potential impact of this missense change (SIFT: "Deleterious"; PolyPhen-2: "Not Available"; Align-GVGD: "Class C0"). In summary, the available evidence is currently insufficient to determine the role of this variant in disease. Therefore, it has been classified as a Variant of Uncertain Significance.

Breakthrough Genomics
Classification: Uncertain significance. Review status: criteria provided, single submitter. Criteria: ACMG Guidelines, 2015. Collection method: not provided. Allele origin: germline. Inheritance: Autosomal recessive inheritance. Affected: yes.